The following is an entry in ClinVar:

NM_001374828.1(ARID1B):c.2746C>T (p.Gln916Ter)

Gene: ARID1B (AT-rich interaction domain 1B; plus strand). Cytogenetic location: 6q25.3.
Variant type: single nucleotide variant.
Coding change: c.2746C>T on transcript NM_001374828.1 (MANE Select); coding-DNA position 2746, C replaced by T.
Protein change: p.Gln916Ter; replaces glutamine 916 with a stop codon.
Molecular consequence: nonsense.
Genome position (GRCh38, 1-based): chr6:157,133,192, C>T. VCF-style: chr6-157133192-C-T. GRCh37 (hg19) VCF-style: chr6-157454326-C-T.
Other names: c.2536C>T (NM_020732.3); c.247C>T, p.Gln83Ter (NM_001363725.2); c.2785C>T, p.Gln929Ter (NM_001371656.1, NM_001374820.1); c.2746C>T, p.Gln916Ter (NM_017519.3); short protein forms Q83*, Q916*, Q929*.
Identifiers: ClinVar variation 996650 (VCV000996650.3), dbSNP rs1554301257, ClinGen allele CA366388555.
Genomic context (GRCh38, chr6:157,133,192, plus strand): 5'-GCTGGAATCAGTAGCTTTCAGCAGAGTAACTCAAGTGGGACTTACGGTCCACAGATGAGC[C>T]AGTATGGACCACAAGGTAAAACCAAAGCTTCTCCAAAATGCATGGCAGCAAGTTGTAGAA-3'

ClinVar aggregate classification (germline): Pathogenic. Review status: criteria provided, multiple submitters, no conflicts (2 of 4 stars). 3 submissions from 3 submitters: Pathogenic (2). 1 of the submissions does not count toward it. Last evaluated 2025-05-29.

Conditions:
Coffin-Siris syndrome 1 (CSS1). Also called: Mental retardation, autosomal dominant 12; ARID1B-Related Coffin-Siris Syndrome. Identifiers: Orphanet 1465, MedGen C3281201, MONDO:0007617, OMIM 135900. Disease mechanism: gain of function.
Autism spectrum disorder. Also called: Autism spectrum disorders. Identifiers: MedGen C1510586, MeSH D000067877, MONDO:0005258.

Submissions (3):

3billion
Classification: Pathogenic for Coffin-Siris syndrome 1. Last evaluated: 2025-05-29. Review status: criteria provided, single submitter. Criteria: ACMG Guidelines, 2015. Collection method: clinical testing. Allele origin: germline. Affected: yes.
Comment: The variant is not observed in the gnomAD v4.1.0 dataset. Predicted Consequence/Location: Stop-gained (nonsense): predicted to result in a loss or disruption of normal protein function through nonsense-mediated decay (NMD) or protein truncation. Multiple pathogenic variants are reported downstream of the variant. The variant has been reported to be associated with ARID1B-related disorder (ClinVar ID: VCV000996650). Therefore, this variant is classified as Pathogenic according to the recommendation of ACMG/AMP guideline.

Victorian Clinical Genetics Services, Murdoch Childrens Research Institute
Classification: Pathogenic for Coffin-Siris syndrome 1. Last evaluated: 2023-07-16. Review status: criteria provided, single submitter. Criteria: ACMG Guidelines, 2015. Collection method: clinical testing. Allele origin: germline. Inheritance: Autosomal dominant inheritance. Affected: yes.
Comment: Based on the classification scheme VCGS_Germline_v1.3.4, this variant is classified as Pathogenic. Following criteria are met: 0102 - Loss of function is a known mechanism of disease in this gene and is associated with Coffin-Siris syndrome 1 (MIM#135900). (I) 0107 - This gene is associated with autosomal dominant disease. (I) 0115 - Variants in this gene are known to have variable expressivity (PMID: 33768696). (I) 0201 - Variant is predicted to cause nonsense-mediated decay (NMD) and loss of protein (premature termination codon is located at least 54 nucleotides upstream of the final exon-exon junction). (SP) 0251 - This variant is heterozygous. (I) 0301 - Variant is absent from gnomAD (both v2 and v3). (SP) 0701 - Other NMD-predicted variants comparable to the one identified in this case have very strong previous evidence for pathogenicity (DECIPHER). (SP) 0802 - This variant has moderate previous evidence of pathogenicity in an unrelated individual. This variant has been identified as de novo in an individual with autism (PMID: 30504930). (SP) 0905 - No published segregation evidence has been identified for this variant. (I) 1007 - No published functional evidence has been identified for this variant. (SP) Legend: (SP) - Supporting pathogenic, (I) - Information, (SB) - Supporting benign

University of Washington Center for Mendelian Genomics, University of Washington
Classification: Likely pathogenic for Autism spectrum disorder. Review status: no assertion criteria provided. Collection method: research. Allele origin: de novo. Affected: yes. Not counted in ClinVar's aggregate classification.

Literature cited by the submitters: PubMed 30504930 (cited by Victorian Clinical Genetics Services, Murdoch Childrens Research Institute and University of Washington Center for Mendelian Genomics, University of Washington); PubMed 33768696 (cited by Victorian Clinical Genetics Services, Murdoch Childrens Research Institute).